The following is an entry in ClinVar:

NM_016507.4(CDK12):c.3920A>G (p.Gln1307Arg)

Gene: CDK12 (cyclin dependent kinase 12; plus strand). Cytogenetic location: 17q12.
Variant type: single nucleotide variant.
Coding change: c.3920A>G on transcript NM_016507.4 (MANE Select); coding-DNA position 3920, A replaced by G.
Protein change: p.Gln1307Arg; replaces glutamine 1307 with arginine.
Molecular consequence: missense variant.
Genome position (GRCh38, 1-based): chr17:39,530,763, A>G. VCF-style: chr17-39530763-A-G. GRCh37 (hg19) VCF-style: chr17-37687016-A-G.
Other names: c.3893A>G, p.Gln1298Arg (NM_015083.4); short protein forms Q1298R, Q1307R.
Identifiers: ClinVar variation 3999549 (VCV003999549.1).

ClinVar aggregate classification (germline): Uncertain significance (1 of 4 stars; one submission).

Submission:

Ambry Genetics
Classification: Uncertain significance. Last evaluated: 2025-06-12. Review status: criteria provided, single submitter. Criteria: Ambry Variant Classification Scheme 2023. Collection method: clinical testing. Allele origin: germline.
Comment: The p.Q1307R variant (also known as c.3920A>G), located in coding exon 14 of the CDK12 gene, results from an A to G substitution at nucleotide position 3920. The glutamine at codon 1307 is replaced by arginine, an amino acid with highly similar properties. This amino acid position is conserved. In addition, the in silico prediction for this alteration is inconclusive. Based on the available evidence, the clinical significance of this variant remains unclear.